The following is an entry in ClinVar:

NM_001371623.1(TCOF1):c.4225C>T (p.Leu1409Phe)

Gene: TCOF1 (treacle ribosome biogenesis factor 1; plus strand). Cytogenetic location: 5q32.
Variant type: single nucleotide variant.
Coding change: c.4225C>T on transcript NM_001371623.1 (MANE Select); coding-DNA position 4225, C replaced by T.
Protein change: p.Leu1409Phe; replaces leucine 1409 with phenylalanine.
Molecular consequence: missense variant.
Genome position (GRCh38, 1-based): chr5:150,396,722, C>T. VCF-style: chr5-150396722-C-T. GRCh37 (hg19) VCF-style: chr5-149776285-C-T.
Other names: c.3991C>T, p.Leu1331Phe (NM_000356.4, NM_001437406.1); c.4222C>T, p.Leu1408Phe (NM_001135243.2); c.4111C>T, p.Leu1371Phe (NM_001135244.2); c.3994C>T, p.Leu1332Phe (NM_001135245.2); c.4108C>T, p.Leu1370Phe (NM_001195141.2); short protein forms L1331F, L1408F, L1370F, L1332F, L1371F, L1409F.
Identifiers: ClinVar variation 4982213 (VCV004982213.1).
Genomic context (GRCh38, chr5:150,396,722, plus strand): 5'-GGGAAAGCAAAGAGAGACAAAGCAAGTGGTGATGTCAAGGAGAAGAAAGGGAAGGGGTCT[C>T]TTGGCTCCCAAGGGGCCAAGGACGAGCCAGAAGAGGAGCTTCAGAAGGGGATGGGGACGG-3'
Protein context (NP_001358552.1, residues 1399-1419): DVKEKKGKGS[Leu1409Phe]GSQGAKDEPE

ClinVar aggregate classification (germline): Uncertain significance (1 of 4 stars; one submission).

Conditions:
TCOF1-related disorder. Also called: TCOF1-related condition.

gnomAD v4.1: 6 of 1,612,684 alleles (0.00037%); highest among the groups gnomAD compares: Admixed American, 0.0033%; no homozygotes.

Submission:

PreventionGenetics, part of Exact Sciences
Classification: Uncertain significance for TCOF1-related condition. Last evaluated: 2025-03-26. Review status: criteria provided, single submitter. Criteria: ACMG Guidelines, 2015. Collection method: clinical testing. Allele origin: germline.
Comment: The TCOF1 c.4222C>T variant is predicted to result in the amino acid substitution p.Leu1408Phe. To our knowledge, this variant has not been reported in the literature. This variant is reported in 0.0018% of alleles in individuals of European (Non-Finnish) descent in gnomAD. At this time, the clinical significance of this variant is uncertain due to the absence of conclusive functional and genetic evidence.